The following is an entry in ClinVar:

NM_020800.3(IFT80):c.954G>A (p.Met318Ile)

Genes: TRIM59-IFT80 (TRIM59-IFT80 readthrough (NMD candidate); minus strand), IFT80 (intraflagellar transport 80; minus strand). Cytogenetic location: 3q25.33.
Variant type: single nucleotide variant.
Coding change: c.954G>A on transcript NM_020800.3 (MANE Select); coding-DNA position 954, G replaced by A.
Protein change: p.Met318Ile; replaces methionine 318 with isoleucine.
Molecular consequence: missense variant. On other transcripts: non-coding transcript variant (3).
Genome position (GRCh38, 1-based): chr3:160,319,763, C>T on the plus strand (G>A on the coding strand, the complement: IFT80 is on the minus strand). VCF-style: chr3-160319763-C-T. GRCh37 (hg19) VCF-style: chr3-160037551-C-T.
Other names: c.954G>A (NM_020800.2); c.543G>A, p.Met181Ile (NM_001190241.2, NM_001190242.2); short protein forms M181I, M318I.
Identifiers: ClinVar variation 1002299 (VCV001002299.8), dbSNP rs957922344, ClinGen allele CA86564938.

ClinVar aggregate classification (germline): Uncertain significance. Review status: criteria provided, multiple submitters, no conflicts (2 of 4 stars). 3 submissions from 3 submitters: Uncertain significance (3). Last evaluated 2024-10-22.

Conditions:
Inborn genetic diseases. Identifiers: MedGen C0950123, MeSH D030342.
Jeune thoracic dystrophy. Also called: Jeune syndrome; Short-rib thoracic dysplasia; Infantile thoracic dystrophy; Thoracic pelvic phalangeal dystrophy; Jeune's syndrome; Chondroectodermal dysplasia-like syndrome. Identifiers: Orphanet 474, MedGen C0265275, MONDO:0018770.
Asphyxiating thoracic dystrophy 2 (SRTD2). Also called: SHORT-RIB THORACIC DYSPLASIA 2 WITH OR WITHOUT POLYDACTYLY; SHORT-RIB THORACIC DYSPLASIA 2 WITH POLYDACTYLY; SHORT-RIB THORACIC DYSPLASIA 2 WITHOUT POLYDACTYLY. Identifiers: Orphanet 474, MedGen C1970005, MONDO:0012644, OMIM 611263.

Allele frequency attached by ClinVar (database versions not stated): gnomAD exomes below 0.00001 and 0.00001; gnomAD 0.00002; TOPMed 0.00002.
gnomAD v4.1: 8 of 1,612,256 alleles (0.0005%); highest among the groups gnomAD compares: East Asian, 0.0022%; no homozygotes.

Submissions (3):

Ambry Genetics
Classification: Uncertain significance for Inborn genetic diseases. Last evaluated: 2024-10-22. Review status: criteria provided, single submitter. Criteria: Ambry Variant Classification Scheme 2023. Collection method: clinical testing. Allele origin: germline.

Fulgent Genetics
Classification: Uncertain significance for Asphyxiating thoracic dystrophy 2. Last evaluated: 2024-05-18. Review status: criteria provided, single submitter. Criteria: ACMG Guidelines, 2015. Collection method: clinical testing. Allele origin: germline.

Labcorp Genetics (formerly Invitae), Labcorp
Classification: Uncertain significance for Jeune thoracic dystrophy. Last evaluated: 2022-03-10. Review status: criteria provided, single submitter. Criteria: Invitae Variant Classification Sherloc (09022015). Collection method: clinical testing. Allele origin: germline.
Comment: This sequence change replaces methionine, which is neutral and non-polar, with isoleucine, which is neutral and non-polar, at codon 318 of the IFT80 protein (p.Met318Ile). This variant is present in population databases (no rsID available, gnomAD 0.002%). This variant has not been reported in the literature in individuals affected with IFT80-related conditions. ClinVar contains an entry for this variant (Variation ID: 1002299). Algorithms developed to predict the effect of missense changes on protein structure and function (SIFT, PolyPhen-2, Align-GVGD) all suggest that this variant is likely to be tolerated. In summary, the available evidence is currently insufficient to determine the role of this variant in disease. Therefore, it has been classified as a Variant of Uncertain Significance.